The following is an entry in ClinVar:

NM_001278116.2(L1CAM):c.3476C>T (p.Thr1159Ile)

Gene: L1CAM (L1 cell adhesion molecule; minus strand). Cytogenetic location: Xq28.
Variant type: single nucleotide variant.
Coding change: c.3476C>T on transcript NM_001278116.2 (MANE Select); coding-DNA position 3476, C replaced by T.
Protein change: p.Thr1159Ile; replaces threonine 1159 with isoleucine.
Molecular consequence: missense variant.
Genome position (GRCh38, 1-based): chrX:153,863,531, G>A on the plus strand (C>T on the coding strand, the complement: L1CAM is on the minus strand). VCF-style: chrX-153863531-G-A. GRCh37 (hg19) VCF-style: chrX-153128986-G-A.
Other names: c.3476C>T, p.Thr1159Ile (NM_000425.5, NM_024003.3); c.3461C>T, p.Thr1154Ile (NM_001143963.2); short protein forms T1154I, T1159I.
Identifiers: ClinVar variation 1305382 (VCV001305382.3), dbSNP rs2064682571, ClinGen allele CA415108891.
Genomic context (GRCh38, chrX:153,863,531, plus strand): 5'-GCTCACCTGTACTCGCCGAAGGTCTCATCTTTCATCGGTCGGGCCTCAGAGTCCACCTGG[G>A]TGTCCTCCTTATCCTTCACTGGAGACACAGAGAGGGACAGCTTCTTCTCCCGCCCCAGCC-3'
Protein context (NP_001265045.1, residues 1149-1169): GKYSVKDKED[Thr1159Ile]QVDSEARPMK

ClinVar aggregate classification (germline): Uncertain significance (1 of 4 stars; one submission).

Submission:

GeneDx
Classification: Uncertain significance. Last evaluated: 2025-01-30. Review status: criteria provided, single submitter. Criteria: GeneDx Variant Classification Process June 2021. Collection method: clinical testing. Allele origin: germline. Affected: yes.
Comment: Not observed at significant frequency in large population cohorts (gnomAD); In silico analysis indicates that this missense variant does not alter protein structure/function; Has not been previously published as pathogenic or benign to our knowledge